The following is an entry in ClinVar:

ClinVar aggregate classification (germline): Uncertain significance (1 of 4 stars; one submission).

Conditions:
TANC2-related disorder. Also called: TANC2-related condition.

Submission:

PreventionGenetics, part of Exact Sciences
Classification: Uncertain significance for TANC2-related condition. Last evaluated: 2025-05-17. Review status: criteria provided, single submitter. Criteria: ACMG Guidelines, 2015. Collection method: clinical testing. Allele origin: germline.
Comment: The TANC2 c.5356A>G variant is predicted to result in the amino acid substitution p.Ser1786Gly. To our knowledge, this variant has not been reported in the literature or in a large population database (gnomAD), indicating this variant is rare. At this time, the clinical significance of this variant is uncertain due to the absence of conclusive functional and genetic evidence.

NM_001394998.1(TANC2):c.5608A>G (p.Ser1870Gly)

Gene: TANC2 (tetratricopeptide repeat, ankyrin repeat and coiled-coil containing 2; plus strand). Cytogenetic location: 17q23.3.
Variant type: single nucleotide variant.
Coding change: c.5608A>G on transcript NM_001394998.1 (MANE Select); coding-DNA position 5608, A replaced by G.
Protein change: p.Ser1870Gly; replaces serine 1870 with glycine.
Molecular consequence: missense variant.
Genome position (GRCh38, 1-based): chr17:63,421,338, A>G. VCF-style: chr17-63421338-A-G. GRCh37 (hg19) VCF-style: chr17-61498699-A-G.
Other names: c.5386A>G, p.Ser1796Gly (NM_001411076.1); c.5356A>G, p.Ser1786Gly (NM_025185.4); short protein forms S1786G, S1796G, S1870G.
Identifiers: ClinVar variation 5001262 (VCV005001262.1).